The following is an entry in ClinVar:

ClinVar aggregate classification (germline): Uncertain significance (1 of 4 stars; one submission).

Submission:

GeneDx
Classification: Uncertain significance. Last evaluated: 2025-03-17. Review status: criteria provided, single submitter. Criteria: GeneDx Variant Classification Process June 2021. Collection method: clinical testing. Allele origin: germline. Affected: yes.
Comment: Not observed at significant frequency in large population cohorts (gnomAD); In silico analysis supports that this missense variant has a deleterious effect on protein structure/function; Has not been previously published as pathogenic or benign to our knowledge

NM_001024630.4(RUNX2):c.1352C>T (p.Ser451Leu)

Gene: RUNX2 (RUNX family transcription factor 2; plus strand). Cytogenetic location: 6p21.1.
Variant type: single nucleotide variant.
Coding change: c.1352C>T on transcript NM_001024630.4 (MANE Select); coding-DNA position 1352, C replaced by T.
Protein change: p.Ser451Leu; replaces serine 451 with leucine.
Molecular consequence: missense variant.
Genome position (GRCh38, 1-based): chr6:45,547,091, C>T. VCF-style: chr6-45547091-C-T. GRCh37 (hg19) VCF-style: chr6-45514828-C-T.
Other names: c.1286C>T, p.Ser429Leu (NM_001015051.4); c.1244C>T, p.Ser415Leu (NM_001278478.2); c.1310C>T, p.Ser437Leu (NM_001369405.1); short protein forms S415L, S429L, S437L, S451L.
Identifiers: ClinVar variation 4086728 (VCV004086728.1).
Genomic context (GRCh38, chr6:45,547,091, plus strand): 5'-AAAGCCAGAGTGGACCCTTCCAGACCAGCAGCACTCCATATCTCTACTATGGCACTTCGT[C>T]AGGATCCTATCAGTTTCCCATGGTGCCGGGGGGAGACCGGTCTCCTTCCAGAATGCTTCC-3'
Protein context (NP_001019801.3, residues 441-461): STPYLYYGTS[Ser451Leu]GSYQFPMVPG